The following is an entry in ClinVar:

NM_138387.4(G6PC3):c.115T>C (p.Phe39Leu)

Genes: G6PC3 (glucose-6-phosphatase catalytic subunit 3; plus strand), LOC130060959 (ATAC-STARR-seq lymphoblastoid active region 12250; plus strand). Cytogenetic location: 17q21.31.
Variant type: single nucleotide variant.
Coding change: c.115T>C on transcript NM_138387.4 (MANE Select); coding-DNA position 115, T replaced by C.
Protein change: p.Phe39Leu; replaces phenylalanine 39 with leucine.
Molecular consequence: missense variant. On other transcripts: 5 prime UTR variant (3), intron variant (1).
Genome position (GRCh38, 1-based): chr17:44,071,080, T>C. VCF-style: chr17-44071080-T-C. GRCh37 (hg19) VCF-style: chr17-42148448-T-C.
Other names: c.115T>C, p.Phe39Leu (NM_001319945.2); c.-290T>C (NM_001384165.1); c.-425T>C (NM_001384166.1); c.-415T>C (NM_001384167.1); c.-312+366T>C (NM_001384168.1); short protein forms F39L.
Identifiers: ClinVar variation 4620508 (VCV004620508.1).

ClinVar aggregate classification (germline): Uncertain significance (1 of 4 stars; one submission).

Conditions:
Inborn genetic diseases. Identifiers: MedGen C0950123, MeSH D030342.

gnomAD v4.1: 1 of 1,613,310 alleles (0.000062%); highest among the groups gnomAD compares: Non-Finnish European, 0.000085%; no homozygotes.

Submission:

Ambry Genetics
Classification: Uncertain significance for Inborn genetic diseases. Last evaluated: 2025-10-29. Review status: criteria provided, single submitter. Criteria: Ambry Variant Classification Scheme 2023. Collection method: clinical testing. Allele origin: germline.
Comment: The p.F39L variant (also known as c.115T>C), located in coding exon 1 of the G6PC3 gene, results from a T to C substitution at nucleotide position 115. The phenylalanine at codon 39 is replaced by leucine, an amino acid with highly similar properties. This amino acid position is conserved. In addition, the in silico prediction for this alteration is inconclusive. Based on the available evidence, the clinical significance of this variant remains unclear.